The following is an entry in ClinVar:

NM_024577.4(SH3TC2):c.1177+5G>A

Gene: SH3TC2 (SH3 domain and tetratricopeptide repeats 2; minus strand). Cytogenetic location: 5q32.
Variant type: single nucleotide variant.
Coding change: c.1177+5G>A on transcript NM_024577.4 (MANE Select); 5 bases into the intron after coding-DNA position 1177, G replaced by A.
Molecular consequence: intron variant.
Genome position (GRCh38, 1-based): chr5:149,028,672, C>T on the plus strand (G>A on the coding strand, the complement: SH3TC2 is on the minus strand). VCF-style: chr5-149028672-C-T. GRCh37 (hg19) VCF-style: chr5-148408235-C-T.
Other names: chr5:149028672C>T.
Identifiers: ClinVar variation 575267 (VCV000575267.14), dbSNP rs1561765688, ClinGen allele CA447399677.

ClinVar aggregate classification (germline): Conflicting classifications of pathogenicity. Review status: criteria provided, conflicting classifications (1 of 4 stars). 4 submissions from 4 submitters: Pathogenic (2); Likely pathogenic (1); Uncertain significance (1). Last evaluated 2025-09-08.

Conditions:
Inborn genetic diseases. Identifiers: MedGen C0950123, MeSH D030342.
Charcot-Marie-Tooth disease type 4. Also called: Charcot-Marie-Tooth, Type 4; Charcot-Marie-Tooth disease, type IV. Identifiers: Orphanet 64749, MedGen C4082197, MONDO:0018995.
Charcot-Marie-Tooth disease type 1B. Also called: HEREDITARY MOTOR AND SENSORY NEUROPATHY I; HEREDITARY MOTOR AND SENSORY NEUROPATHY IB; Charcot-Marie-Tooth disease, demyelinating, type 1b; Hereditary motor and sensory neuropathy 1B; Charcot-Marie-Tooth disease, type IB; PERONEAL MUSCULAR ATROPHY. Identifiers: Orphanet 101082, MedGen C0270912, MONDO:0007307, OMIM 118200.

gnomAD v4.1: 1 of 1,614,214 alleles (0.000062%); no homozygotes.

Submissions (4):

Labcorp Genetics (formerly Invitae), Labcorp
Classification: Pathogenic for Charcot-Marie-Tooth disease type 4. Last evaluated: 2025-09-08. Review status: criteria provided, single submitter. Criteria: Invitae Variant Classification Sherloc (09022015). Collection method: clinical testing. Allele origin: germline.
Comment: This sequence change falls in intron 10 of the SH3TC2 gene. It does not directly change the encoded amino acid sequence of the SH3TC2 protein. It affects a nucleotide within the consensus splice site. This variant is not present in population databases (gnomAD no frequency). This variant has been observed in individual(s) with clinical features of Charcot-Marie-Tooth disease (PMID: 37372933). In at least one individual the data is consistent with being in trans (on the opposite chromosome) from a pathogenic variant. It has also been observed to segregate with disease in related individuals. ClinVar contains an entry for this variant (Variation ID: 575267). Variants that disrupt the consensus splice site are a relatively common cause of aberrant splicing (PMID: 17576681, 9536098). Algorithms developed to predict the effect of sequence changes on RNA splicing suggest that this variant may disrupt the consensus splice site. For these reasons, this variant has been classified as Pathogenic.

GeneDx
Classification: Pathogenic. Last evaluated: 2024-07-10. Review status: criteria provided, single submitter. Criteria: GeneDx Variant Classification Process June 2021. Collection method: clinical testing. Allele origin: germline. Affected: yes.
Comment: Non-canonical splice site variant demonstrated to result in loss of function (PMID: 37372933); Identified with a second variant in SH3TC2 and a variant in an additional gene in an individual with neuropathy, lower limb muscle atrophy, foot drop, and steppage gait in published literature (PMID: 37372933); Not observed at significant frequency in large population cohorts (gnomAD); This variant is associated with the following publications: (PMID: 37372933)

Laboratory of Functional Genomics, Research Centre for Medical Genetics
Classification: Likely pathogenic for Charcot-Marie-Tooth disease type 1B. Last evaluated: 2022-12-23. Review status: criteria provided, single submitter. Criteria: ACMG Guidelines, 2015. Collection method: research. Allele origin: unknown, not applicable. Inheritance: Autosomal dominant inheritance. Affected: yes. Observed: 1 heterozygote. Functional consequence: effect on RNA splicing.
Comment: The c.1177+5G>A variant was not registered in GnomAD. According to the Human Splicing Finder variant affects the donor splice site. SpliceAI shows that c.1177+5G>A variant leads to the loss of the donor splice site (Donor Loss score 0.64). The minigene splicing assay was used to determine the effect of the c.1177+5G>A variant on SH3TC2 pre-mRNA splicing. For this purpose, three exons (10, 11, and 12) of the SH3TC2 gene cloned into a minigene construct. All these exons are located close to each other and therefore splicing changes can affect all three exons. It was shown that the c.1177+5G>A variant in the SH3TC2 gene leads to the retention of 122 nucleotides from intron 10 in the RNA sequence, causing a frameshift and the appearance of a premature stop codon (NP_078853.2:p.Ala393GlyfsTer2). This abnormal transcript is also observed when testing the wild-type minigene construct, but its proportion does not exceed 30% to compare with WT, while the c.1177+5G>A variant leads to the complete absence of a WT transcript. So, the variant should be classified as likely pathogenic.

Ambry Genetics
Classification: Uncertain significance for Inborn genetic diseases. Last evaluated: 2020-02-28. Review status: criteria provided, single submitter. Criteria: Ambry Variant Classification Scheme 2023. Collection method: clinical testing. Allele origin: germline.
Comment: The c.1177+5G>A intronic variant results from a G to A substitution 5 nucleotides after coding exon 10 in the SH3TC2 gene. This nucleotide position is highly conserved in available vertebrate species. Using the BDGP and ESEfinder splice site prediction tools, this alteration is predicted to abolish the native splice donor site; however, direct evidence is unavailable. Since supporting evidence is limited at this time, the clinical significance of this alteration remains unclear.

Literature cited by the submitters: PubMed 37372933 (cited by Labcorp Genetics (formerly Invitae), Labcorp); PubMed 17576681 (cited by Labcorp Genetics (formerly Invitae), Labcorp); PubMed 9536098 (cited by Labcorp Genetics (formerly Invitae), Labcorp).